The following is an entry in ClinVar:

NM_006715.4(MAN2C1):c.2453G>A (p.Arg818His)

Gene: MAN2C1 (mannosidase alpha class 2C member 1; minus strand). Cytogenetic location: 15q24.2.
Variant type: single nucleotide variant.
Coding change: c.2453G>A on transcript NM_006715.4 (MANE Select); coding-DNA position 2453, G replaced by A.
Protein change: p.Arg818His; replaces arginine 818 with histidine.
Molecular consequence: missense variant.
Genome position (GRCh38, 1-based): chr15:75,358,295, C>T on the plus strand (G>A on the coding strand, the complement: MAN2C1 is on the minus strand). VCF-style: chr15-75358295-C-T. GRCh37 (hg19) VCF-style: chr15-75650636-C-T.
Other names: c.2504G>A, p.Arg835His (NM_001256494.2); c.2453G>A, p.Arg818His (NM_001256495.2); c.2156G>A, p.Arg719His (NM_001256496.2); short protein forms R719H, R818H, R835H.
Identifiers: ClinVar variation 4820990 (VCV004820990.4).

ClinVar aggregate classification (germline): Likely benign (1 of 4 stars; one submission).

Submission:

CeGaT Center for Human Genetics Tuebingen
Classification: Likely benign. Last evaluated: 2026-02-01. Review status: criteria provided, single submitter. Criteria: CeGaT Center For Human Genetics Tuebingen Variant Classification Criteria Version 2. Collection method: clinical testing. Allele origin: germline. Affected: yes. Observed: 1 variant allele.
Comment: MAN2C1: BP4, BS1